The following is an entry in ClinVar:

NM_032888.4(COL27A1):c.3248del (p.Lys1083fs)

Gene: COL27A1 (collagen type XXVII alpha 1 chain; plus strand). Cytogenetic location: 9q32.
Variant type: Deletion.
Coding change: c.3248del on transcript NM_032888.4 (MANE Select); coding-DNA position 3248, one base deleted (A; older notation c.3248delA).
Protein change: p.Lys1083fs; shifts the reading frame from lysine 1083.
Molecular consequence: frameshift variant.
Genome position (GRCh38, 1-based): chr9:114,264,407, A deleted; the last of 2 consecutive A bases (chr9:114,264,406-114,264,407); deleting either gives the same sequence. VCF-style (leftmost placement, unchanged base first): chr9-114264405-GA-G. GRCh37 (hg19) VCF-style: chr9-117026685-GA-G.
Other names: short protein forms K1083fs.
Identifiers: ClinVar variation 1073916 (VCV001073916.7), dbSNP rs2135591632, ClinGen allele CA2499219571.

ClinVar aggregate classification (germline): Pathogenic (1 of 4 stars; one submission).

Submission:

Labcorp Genetics (formerly Invitae), Labcorp
Classification: Pathogenic. Last evaluated: 2020-05-21. Review status: criteria provided, single submitter. Criteria: Invitae Variant Classification Sherloc (09022015). Collection method: clinical testing. Allele origin: germline.
Comment: For these reasons, this variant has been classified as Pathogenic. Loss-of-function variants in COL27A1 are known to be pathogenic (PMID: 24986830, 28276056). This variant has not been reported in the literature in individuals with COL27A1-related conditions. This variant is not present in population databases (ExAC no frequency). This sequence change creates a premature translational stop signal (p.Lys1083Argfs*84) in the COL27A1 gene. It is expected to result in an absent or disrupted protein product.

Literature cited by the submitters: PubMed 24986830; PubMed 28276056.